The following is an entry in ClinVar:

ClinVar aggregate classification (germline): Conflicting classifications of pathogenicity. Review status: criteria provided, conflicting classifications (1 of 4 stars). 8 submissions from 8 submitters: Uncertain significance (2); Likely benign (4). 2 of the submissions do not count toward it. Last evaluated 2026-01-31.

Conditions:
Dilated cardiomyopathy 1AA (CMD1AA). Also called: Cardiomyopathy, dilated, 1AA, with or without LVNC; CARDIOMYOPATHY, DILATED, 1AA, WITH OR WITHOUT LEFT VENTRICULAR NONCOMPACTION; CARDIOMYOPATHY, FAMILIAL HYPERTROPHIC, 23, WITH OR WITHOUT LEFT VENTRICULAR NONCOMPACTION. Identifiers: Orphanet 154, MedGen C2677338, MONDO:0012808, OMIM 612158.
Primary familial hypertrophic cardiomyopathy (HCM). Identifiers: Orphanet 99739, MedGen C0949658, MeSH D024741, MONDO:0024573. Inheritance: Various modes of inheritance.
Cardiovascular phenotype. Identifiers: MedGen CN230736.
Cardiomyopathy (CMYO). Also called: Cardiomyopathies. Identifiers: Orphanet 167848, MedGen C0878544, MONDO:0004994, HP:0001638. Inheritance: Various modes of inheritance.

Allele frequency attached by ClinVar (database versions not stated): gnomAD 0.00005 and 0.00006; TOPMed 0.00009; gnomAD exomes 0.00012 and 0.00018; ExAC 0.00013; ESP Exome Variant Server 0.00015.
gnomAD v4.1: 183 of 1,614,018 alleles (0.011%); highest among the groups gnomAD compares: Admixed American, 0.063%; no homozygotes.

Submissions (8):

Labcorp Genetics (formerly Invitae), Labcorp
Classification: Likely benign for Primary familial hypertrophic cardiomyopathy; Dilated cardiomyopathy 1AA. Last evaluated: 2026-01-31. Review status: criteria provided, single submitter. Criteria: Invitae Variant Classification Sherloc (09022015). Collection method: clinical testing. Allele origin: germline.

GeneDx
Classification: Likely benign. Last evaluated: 2018-12-13. Review status: criteria provided, single submitter. Criteria: GeneDx Variant Classification Process June 2021. Collection method: clinical testing. Allele origin: germline. Affected: yes.
Comment: This variant is associated with the following publications: (PMID: 24503780)

Illumina Laboratory Services, Illumina
Classification: Uncertain significance for Dilated cardiomyopathy 1AA. Last evaluated: 2018-01-13. Review status: criteria provided, single submitter. Criteria: ICSL Variant Classification Criteria 13 December 2019. Collection method: clinical testing. Allele origin: germline.

Ambry Genetics
Classification: Likely benign for Cardiovascular phenotype. Last evaluated: 2016-06-03. Review status: criteria provided, single submitter. Criteria: Ambry Variant Classification Scheme 2023. Collection method: clinical testing. Allele origin: germline.

CHEO Genetics Diagnostic Laboratory, Children's Hospital of Eastern Ontario
Classification: Uncertain significance for Cardiomyopathy. Last evaluated: 2016-01-07. Review status: criteria provided, single submitter. Criteria: ACMG Guidelines, 2015. Collection method: clinical testing. Allele origin: germline. Study: Canadian Open Genetics Repository.

Laboratory for Molecular Medicine, Mass General Brigham Personalized Medicine
Classification: Likely benign. Last evaluated: 2012-03-19. Review status: criteria provided, single submitter. Criteria: LMM Criteria. Collection method: clinical testing. Allele origin: germline. Observed: 1 variant allele.
Comment: p.Pro856Pro in Exon 21 of ACTN2: This variant is not expected to have clinical s ignificance because it does not alter an amino acid residue, is not located with in the splice consensus sequence. It has been identified in 1/7020 European Amer ican chromosomes from a broad population by the NHLBI Exome Sequencing Project (dbSNP rs149554430).

Clinical Genetics DNA and cytogenetics Diagnostics Lab, Erasmus MC, Erasmus Medical Center
Classification: Likely benign. Review status: no assertion criteria provided. Collection method: clinical testing. Allele origin: germline. Affected: yes. Study: VKGL Data-share Consensus. Not counted in ClinVar's aggregate classification.

Diagnostic Laboratory, Department of Genetics, University Medical Center Groningen
Classification: Likely benign for Dilated cardiomyopathy 1AA. Review status: no assertion criteria provided. Collection method: clinical testing. Allele origin: germline. Affected: yes. Study: VKGL Data-share Consensus. Not counted in ClinVar's aggregate classification.

NM_001103.4(ACTN2):c.2568G>A (p.Pro856=)

Gene: ACTN2 (actinin alpha 2; plus strand). Cytogenetic location: 1q43.
Variant type: single nucleotide variant.
Coding change: c.2568G>A on transcript NM_001103.4 (MANE Select); coding-DNA position 2568, G replaced by A.
Protein change: p.Pro856=; no amino-acid change (proline 856 retained).
Molecular consequence: synonymous variant.
Genome position (GRCh38, 1-based): chr1:236,762,502, G>A. VCF-style: chr1-236762502-G-A. GRCh37 (hg19) VCF-style: chr1-236925802-G-A.
Other names: c.2568G>A, p.Pro856= (NM_001278343.2); c.1944G>A, p.Pro648= (NM_001278344.2).
Identifiers: ClinVar variation 43931 (VCV000043931.27), dbSNP rs149554430, ClinGen allele CA133186.